The following is an entry in ClinVar:

NM_000061.3(BTK):c.1578C>A (p.Asn526Lys)

Gene: BTK (Bruton tyrosine kinase; minus strand). Cytogenetic location: Xq22.1.
Variant type: single nucleotide variant.
Coding change: c.1578C>A on transcript NM_000061.3 (MANE Select); coding-DNA position 1578, C replaced by A.
Protein change: p.Asn526Lys; replaces asparagine 526 with lysine.
Molecular consequence: missense variant.
Genome position (GRCh38, 1-based): chrX:101,354,683, G>T on the plus strand (C>A on the coding strand, the complement: BTK is on the minus strand). VCF-style: chrX-101354683-G-T. GRCh37 (hg19) VCF-style: chrX-100609671-G-T.
Other names: c.1680C>A, p.Asn560Lys (NM_001287344.2); c.1050C>A, p.Asn350Lys (NM_001287345.2); short protein forms N526K, N350K, N560K.
Identifiers: ClinVar variation 577526 (VCV000577526.9), dbSNP rs1569291237, ClinGen allele CA413922411.

ClinVar aggregate classification (germline): Uncertain significance (1 of 4 stars; one submission).

Conditions:
X-linked agammaglobulinemia with growth hormone deficiency (IGHD3). Also called: AGAMMAGLOBULINEMIA AND ISOLATED GROWTH HORMONE DEFICIENCY, X-LINKED; HYPOGAMMAGLOBULINEMIA AND ISOLATED GROWTH HORMONE DEFICIENCY, X-LINKED; IGHD III; FLEISHER SYNDROME; Isolated growth hormone deficiency type 3; Growth hormone deficiency with hypogammaglobulinemia. Identifiers: Orphanet 231692, Orphanet 631, MedGen C0472813, MONDO:0010615, OMIM 307200.

Submission:

Labcorp Genetics (formerly Invitae), Labcorp
Classification: Uncertain significance for X-linked agammaglobulinemia with growth hormone deficiency. Last evaluated: 2018-04-30. Review status: criteria provided, single submitter. Criteria: Invitae Variant Classification Sherloc (09022015). Collection method: clinical testing. Allele origin: germline.
Comment: This variant has been observed in individuals affected with X-linked agammaglobulinaemia (PMID: 27593100, 7711734). Algorithms developed to predict the effect of missense changes on protein structure and function (SIFT, PolyPhen-2, Align-GVGD) all suggest that this variant is likely to be disruptive, but these predictions have not been confirmed by published functional studies and their clinical significance is uncertain. In summary, the available evidence is currently insufficient to determine the role of this variant in disease. Therefore, it has been classified as a Variant of Uncertain Significance. This variant is not present in population databases (ExAC no frequency). This sequence change replaces asparagine with lysine at codon 526 of the BTK protein (p.Asn526Lys). The asparagine residue is highly conserved and there is a moderate physicochemical difference between asparagine and lysine.

Literature cited by the submitters: PubMed 27593100; PubMed 7711734.